The following is an entry in ClinVar:

ClinVar aggregate classification (germline): Uncertain significance (1 of 4 stars; one submission).

Conditions:
Hereditary cancer-predisposing syndrome. Also called: Hereditary Cancer Syndrome; Hereditary neoplastic syndrome; Neoplastic Syndromes, Hereditary; Tumor predisposition. Identifiers: Orphanet 140162, MedGen C0027672, MeSH D009386, MONDO:0015356.

Submission:

Ambry Genetics
Classification: Uncertain significance for Hereditary cancer-predisposing syndrome. Last evaluated: 2021-05-20. Review status: criteria provided, single submitter. Criteria: Ambry Variant Classification Scheme 2023. Collection method: clinical testing. Allele origin: germline.
Comment: The p.K1468Q variant (also known as c.4402A>C), located in coding exon 15 of the APC gene, results from an A to C substitution at nucleotide position 4402. The lysine at codon 1468 is replaced by glutamine, an amino acid with similar properties. This amino acid position is not well conserved in available vertebrate species. In addition, in silico predictors for this gene do not accurately predict pathogenicity. Since supporting evidence is limited at this time, the clinical significance of this alteration remains unclear.

NM_000038.6(APC):c.4402A>C (p.Lys1468Gln)

Gene: APC (APC regulator of Wnt signaling pathway; plus strand). Cytogenetic location: 5q22.2.
Variant type: single nucleotide variant.
Coding change: c.4402A>C on transcript NM_000038.6 (MANE Select); coding-DNA position 4402, A replaced by C.
Protein change: p.Lys1468Gln; replaces lysine 1468 with glutamine.
Molecular consequence: missense variant.
Genome position (GRCh38, 1-based): chr5:112,839,996, A>C. VCF-style: chr5-112839996-A-C. GRCh37 (hg19) VCF-style: chr5-112175693-A-C.
Other names: c.4456A>C, p.Lys1486Gln (NM_001407448.1, NM_001407449.1, NM_001407447.1 and 1 more transcripts); c.4402A>C, p.Lys1468Gln (NM_001407450.1, NM_001127510.3, NM_001354895.2); c.4381A>C, p.Lys1461Gln (NM_001407451.1); c.4372A>C, p.Lys1458Gln (NM_001407452.1); c.4225A>C, p.Lys1409Gln (NM_001407453.1, NM_001354901.2); c.4348A>C, p.Lys1450Gln (NM_001127511.3); c.4432A>C, p.Lys1478Gln (NM_001354897.2); c.4327A>C, p.Lys1443Gln (NM_001354898.2); and 11 more; short protein forms K1440Q, K1084Q, K1308Q, K1385Q, K1443Q, K1478Q, K1496Q, K1185Q.
Identifiers: ClinVar variation 1740342 (VCV001740342.2), dbSNP rs2149913836, ClinGen allele CA16030969.
Genomic context (GRCh38, chr5:112,839,996, plus strand): 5'-ACCAAGCGAGAAGTACCTAAAAATAAAGCACCTACTGCTGAAAAGAGAGAGAGTGGACCT[A>C]AGCAAGCTGCAGTAAATGCTGCAGTTCAGAGGGTCCAGGTTCTTCCAGATGCTGATACTT-3'
Protein context (NP_000029.2, residues 1458-1478): PTAEKRESGP[Lys1468Gln]QAAVNAAVQR